The following is an entry in ClinVar:

ClinVar aggregate classification (germline): Likely pathogenic (1 of 4 stars; one submission).

Conditions:
CFTR-related disorder (CFTR-RD). Also called: CFTR-related disorders; CFTR-related condition. Identifiers: MedGen C5924204, MONDO:7770004.

Submission:

Natera, Inc.
Classification: Likely pathogenic for CFTR-related disorders. Last evaluated: 2026-01-27. Review status: criteria provided, single submitter. Criteria: Natera Variant Classification Schema (03/2026). Collection method: clinical testing. Allele origin: germline.
Comment: The c.1215del variant in CFTR is a frameshift variant predicted to shift the reading frame beginning at codon 405 and leads to a stop codon 37 codons downstream. This variant is expected to result in nonsense mediated decay, truncation, or a dysfunctional protein product. This variant is rare in the general population with a frequency below the threshold expected for the associated phenotype(s). Given the available evidence, this variant is classified as Likely Pathogenic.

NM_000492.4(CFTR):c.1215del (p.Phe405fs)

Genes: CFTR (CF transmembrane conductance regulator; plus strand), CFTR-AS1 (CFTR antisense RNA 1; minus strand). Cytogenetic location: 7q31.2.
Variant type: Deletion.
Coding change: c.1215del on transcript NM_000492.4 (MANE Select); coding-DNA position 1215, one base deleted (T; older notation c.1215delT).
Protein change: p.Phe405fs; shifts the reading frame from phenylalanine 405.
Molecular consequence: frameshift variant.
Genome position (GRCh38, 1-based): chr7:117,548,646, T deleted; the last of 3 consecutive T bases (chr7:117,548,644-117,548,646); deleting any one gives the same sequence. VCF-style (leftmost placement, unchanged base first): chr7-117548643-AT-A. GRCh37 (hg19) VCF-style: chr7-117188697-AT-A.
Other names: c.1215delT, p.Phe405Leufs (NM_000492.3); short protein forms F405fs.
Identifiers: ClinVar variation 4818464 (VCV004818464.1).